The following is an entry in ClinVar:

NM_000203.5(IDUA):c.1577T>C (p.Leu526Pro)

Gene: IDUA (alpha-L-iduronidase; plus strand). Cytogenetic location: 4p16.3.
Variant type: single nucleotide variant.
Coding change: c.1577T>C on transcript NM_000203.5 (MANE Select); coding-DNA position 1577, T replaced by C.
Protein change: p.Leu526Pro; replaces leucine 526 with proline.
Molecular consequence: missense variant. On other transcripts: non-coding transcript variant (1).
Genome position (GRCh38, 1-based): chr4:1,003,397, T>C. VCF-style: chr4-1003397-T-C. GRCh37 (hg19) VCF-style: chr4-997185-T-C.
Other names: NM_000203.5(IDUA):c.1577T>C; p.Leu526Pro; c.1181T>C, p.Leu394Pro (NM_001363576.1); short protein forms L526P, L394P.
Identifiers: ClinVar variation 567566 (VCV000567566.33), dbSNP rs781136336, ClinGen allele CA2802300.
Genomic context (GRCh38, chr4:1,003,397, plus strand): 5'-GCGCCCAGGACCCGGTGGCCGCGGCGCCCCGCCCCTTACCCGCCGGCGGCCGCCTGACCC[T>C]GCGCCCCGCGCTGCGGCTGCCGTCGCTTTTGCTGGTGCACGTGTGTGCGCGCCCCGAGAA-3'
Protein context (NP_000194.2, residues 516-536): RPLPAGGRLT[Leu526Pro]RPALRLPSLL

ClinVar aggregate classification (germline): Uncertain significance. Review status: reviewed by expert panel (3 of 4 stars). 14 submissions from 14 submitters: Uncertain significance (1). 13 of the submissions do not count toward it. Last evaluated 2025-04-21.

Conditions:
Mucopolysaccharidosis, MPS-I-S. Also called: MUCOPOLYSACCHARIDOSIS TYPE IS; Scheie Syndrome; MPS V; MUCOPOLYSACCHARIDOSIS TYPE V. Identifiers: Orphanet 93474, MedGen C0026708, MONDO:0011760, OMIM 607016.
Hurler syndrome. Also called: MUCOPOLYSACCHARIDOSIS TYPE IH; Gargoylism, Hurler Syndrome; Severe MPS I (Hurler Syndrome). Identifiers: Orphanet 93473, MedGen C0086795, MONDO:0011758, OMIM 607014.
Mucopolysaccharidosis, MPS-I-H/S. Also called: Mucopolysaccharidosis type IH/S. Identifiers: Orphanet 93476, MedGen C0086431, MONDO:0011759, OMIM 607015.
IDUA-related disorders.
IDUA-related disorder. Also called: IDUA-related condition.
Mucopolysaccharidosis type 1. Also called: IDUA deficiency; MPS I; Mucopolysaccharidosis Type I. Identifiers: Orphanet 579, MedGen C0023786, MONDO:0001586.

Allele frequency attached by ClinVar (database versions not stated): TOPMed 0.00027; gnomAD exomes 0.00034 and 0.00041; gnomAD 0.00035; ExAC 0.00076.
gnomAD v4.1: 595 of 1,522,386 alleles (0.039%); highest among the groups gnomAD compares: South Asian, 0.051%; no homozygotes.

Submissions 1 to 4 of 14:

ClinGen Lysosomal Storage Disorder Variant Curation Expert Panel
Classification: Uncertain significance for Mucopolysaccharidosis type 1. Last evaluated: 2025-04-21. Review status: reviewed by expert panel. Criteria: ClinGen LSD ACMG Specifications IDUA V1.0.0. Collection method: curation. Allele origin: germline. Inheritance: Autosomal recessive inheritance.
Comment: The NM_000203.5:c.1577T>C variant in IDUA is a missense variant predicted to cause substitution of leucine by proline at amino acid 526 (p.Leu526Pro). The highest population minor allele frequency in gnomAD v4.1.0 is 0.0005078 (42/82710 alleles) in the South Asian population. This is higher than the ClinGen Lysosomal Diseases VCEP’s threshold for PM2_Supporting (<0.00025), and lower than the threshold for BS1 (>0.0025). Therefore, none of the population data codes are met. At least 12 individuals have been reported with biallelic variants in IDUA (not including pseudodeficiency variants). Eight of those individuals were identified by a newborn screen, all with low IDUA activity, but all with normal total GAGs, and either normal or mildly elevated dermatan and heparan sulfate; two of these individuals were described as having an attenuated phenotype based on clinical evaluation, and others as suspected or undetermined diagnosis (30442156, 30093709, 32432561, 33072983, 33147872, 35787971, 37516270, Greenwood Genetic Center). At least 3 other individuals have been reported to have symptoms consistent with MPS I (22976768, 26260077, 31194252, 37181073). One individual with the variant has been reported with an extremely attenuated phenotype (PMID: 37181073). Another patient, reported to be on ERT and to have skeletal features of MPS I (PMID: 26260077, 31194252; may be the same patient in both papers) is compound heterozygous for the variant and c.1205G>A (p.Trp402Ter) (PMID: 26260077, 3119425) in unknown phase (0.5 points for PM3). Data from another patient, compound heterozygous for the variant and p.Gln70Ter, were not included due to lack of GAG levels, and the presence of a pseudodeficiency variant (PMID: 22976768; personal communication). PP4 was applied based on the reported features of MPS I in some patients. The computational predictor REVEL gives a score of 0.774 which is above the threshold of 0.773, evidence that correlates with impact to IDUA function at the moderate level based on the specifications of the ClinGen Lysosomal Diseases VCEP (PMID: 36413997) (PP3_Moderate). When the variant was expressed in IDUA knock-out HEK293 cells, the relative specific activity (activity of IDUA/amount of IDUA protein) was 15% of wild type activity (3 times higher than the activity of the "pseudodeficiency" variant, p.Ala79Thr, which is clinically benign). However, the p.Leu526Pro IDUA protein exhibits impaired proteolytic processing on Western blot, and evidence of aggregation of native gel electrophoresis. Based on the relatively high activity, but abnormalities in processing and aggregation, neither PS3 nor BS3 is met. There is a ClinVar entry for this variant (Variation ID: 567566). In summary, currently, the clinical impact of p.Leu526Pro is unclear (variant of uncertain significance), particularly given the reports of some patients with a diagnosis of MPS I, and others with normal total GAG levels and reports of only mild elevations of dermatan and heparan sulfate (PMID: 39702574, Greenwood Genetic Center). This could suggest that the variant has reduced penetrance; however additional data is required to fully understand the clinical impact of this variant. IDUA-specific ACMG/AMP criteria met, as specified by the ClinGen Lysosomal Diseases Variant Curation Expert Panel (Specifications Version 1.0.0.): PM3, PP3_Moderate, PP4. (Classification approved by the ClinGen Lysosomal Diseases Variant Curation Expert Panel, April 21, 2025).

PreventionGenetics, part of Exact Sciences
Classification: Likely pathogenic for IDUA-related condition. Last evaluated: 2026-09-08. Review status: criteria provided, single submitter. Criteria: ACMG Guidelines, 2015. Collection method: clinical testing. Allele origin: germline. Not counted in ClinVar's aggregate classification.
Comment: The IDUA c.1577T>C variant is predicted to result in the amino acid substitution p.Leu526Pro. This variant has been reported in the compound heterozygote state with another IDUA variant in an individual with attenuated Mucopolysaccharidosis I (MPS I), with very low residual enzymatic activity and elevated glucosaminoglycans (GAGs) (Asumda et al. 2023. PubMed ID: 37181073). It was also reported along with a pathogenic variant in another two individuals, one with unspecified type of MPS I and the other with attenuated MPS I; however, enzymatic or GAGs levels were not provided (Pollard et al. 2013. PubMed ID: 22976768; Dickson et al. 2015. PubMed ID: 26260077). In newborn screening, this variant was reported in the homozygous state in an individual with attenuated MPS I phenotype (Zhang et al. 2022. PubMed ID: 35787971) and along with a pathogenic variant in two individuals with attenuated MPS I phenotype (Fillman et al. 2023. PubMed ID: 37516270). An in vitro experimental study suggests this variant results in impaired proteolytic processing and lysosomal delivery despite residual enzyme activity that is higher or comparable to known pseudodeficiency variants (Yu et al. 2024. PubMed ID: 39702574). This variant is reported in 0.071% of alleles in individuals of South Asian descent in gnomAD. This variant is classified as uncertain, likely pathogenic, and pathogenic in ClinVar and is classified as uncertain by an expert panel in ClinVar (Variation ID: 567566). This variant is interpreted as likely pathogenic for attenuated form of MPS I.

Labcorp Genetics (formerly Invitae), Labcorp
Classification: Pathogenic for Mucopolysaccharidosis type 1. Last evaluated: 2026-01-28. Review status: criteria provided, single submitter. Criteria: Invitae Variant Classification Sherloc (09022015). Collection method: clinical testing. Allele origin: germline. Not counted in ClinVar's aggregate classification.
Comment: This sequence change replaces leucine, which is neutral and non-polar, with proline, which is neutral and non-polar, at codon 526 of the IDUA protein (p.Leu526Pro). This variant is present in population databases (rs781136336, gnomAD 0.07%). This missense change has been observed in individual(s) with mucopolysaccharidosis type I (PMID: 22976768, 30442156; internal data). In at least one individual the data is consistent with being in trans (on the opposite chromosome) from a pathogenic variant. ClinVar contains an entry for this variant (Variation ID: 567566). Invitae Evidence Modeling of protein sequence and biophysical properties (such as structural, functional, and spatial information, amino acid conservation, physicochemical variation, residue mobility, and thermodynamic stability) has been performed for this missense variant. However, the output from this modeling did not meet the statistical confidence thresholds required to predict the impact of this variant on IDUA protein function. For these reasons, this variant has been classified as Pathogenic.

GeneDx
Classification: Uncertain significance. Last evaluated: 2025-12-19. Review status: criteria provided, single submitter. Criteria: GeneDx Variant Classification Process June 2021. Collection method: clinical testing. Allele origin: germline. Affected: yes. Not counted in ClinVar's aggregate classification.
Comment: Observed in apparent homozygous state through newborn screening in an infant with >50% enzymatic activity and normal heparan sulfate and dermatan sulfate levels in urine (PMID: 30442156); In silico analysis supports that this missense variant has a deleterious effect on protein structure/function; This variant is associated with the following publications: (PMID: 33147872, 32432561, 33072983, 33098355, 30093709, 22976768, 26260077, 37181073, 31194252, 35787971, 37516270, 39702574, 30442156, 38619706)